The following is an entry in ClinVar:

NC_000002.11:g.(?_228120742)_(228121112_?)del

Gene: COL4A3 (collagen type IV alpha 3 chain; plus strand). Cytogenetic location: 2q36.3.
Variant type: Deletion.
Identifiers: ClinVar variation 1055707 (VCV001055707.2).

ClinVar aggregate classification (germline): Pathogenic (1 of 4 stars; one submission).

Submission:

Labcorp Genetics (formerly Invitae), Labcorp
Classification: Pathogenic. Last evaluated: 2022-07-14. Review status: criteria provided, single submitter. Criteria: Invitae Variant Classification Sherloc (09022015). Collection method: clinical testing. Allele origin: germline.
Comment: This variant is a gross deletion of the genomic region encompassing exon(s) 16-17 of the COL4A3 gene. This variant would be expected to be in-frame, preserving the integrity of the reading frame. A similar copy number variant has been observed in individual(s) with clinical features of COL4A3-related conditions (Invitae). This variant disrupts a region of the COL4A3 protein in which other variant(s) (p.Gly300Arg ) have been determined to be pathogenic (PMID: 25575550, 26809805; Invitae). This suggests that this is a clinically significant region of the protein, and that variants that disrupt it are likely to be disease-causing. For these reasons, this variant has been classified as Pathogenic.

Literature cited by the submitters: PubMed 25575550; PubMed 26809805.